The following is an entry in ClinVar:

ClinVar aggregate classification (germline): Uncertain significance (1 of 4 stars; one submission).

Allele frequency attached by ClinVar (database versions not stated): gnomAD 0.00001; TOPMed 0.00001.
gnomAD v4.1: 6 of 1,614,070 alleles (0.00037%); highest among the groups gnomAD compares: Non-Finnish European, 0.00051%; no homozygotes.

Submission:

Labcorp Genetics (formerly Invitae), Labcorp
Classification: Uncertain significance. Last evaluated: 2022-02-20. Review status: criteria provided, single submitter. Criteria: Invitae Variant Classification Sherloc (09022015). Collection method: clinical testing. Allele origin: germline.
Comment: In summary, the available evidence is currently insufficient to determine the role of this variant in disease. Therefore, it has been classified as a Variant of Uncertain Significance. Advanced modeling of protein sequence and biophysical properties (such as structural, functional, and spatial information, amino acid conservation, physicochemical variation, residue mobility, and thermodynamic stability) performed at Invitae indicates that this missense variant is not expected to disrupt FLNB protein function. This variant has not been reported in the literature in individuals affected with FLNB-related conditions. This variant is not present in population databases (gnomAD no frequency). This sequence change replaces asparagine, which is neutral and polar, with lysine, which is basic and polar, at codon 1779 of the FLNB protein (p.Asn1779Lys).

NM_001457.4(FLNB):c.5337C>A (p.Asn1779Lys)

Gene: FLNB (filamin B; plus strand). Cytogenetic location: 3p14.3.
Variant type: single nucleotide variant.
Coding change: c.5337C>A on transcript NM_001457.4 (MANE Select); coding-DNA position 5337, C replaced by A.
Protein change: p.Asn1779Lys; replaces asparagine 1779 with lysine.
Molecular consequence: missense variant.
Genome position (GRCh38, 1-based): chr3:58,143,525, C>A. VCF-style: chr3-58143525-C-A. GRCh37 (hg19) VCF-style: chr3-58129252-C-A.
Other names: c.5430C>A, p.Asn1810Lys (NM_001164317.2); c.5304C>A, p.Asn1768Lys (NM_001164318.2); c.5265C>A, p.Asn1755Lys (NM_001164319.2); short protein forms N1755K, N1810K, N1768K, N1779K.
Identifiers: ClinVar variation 2100494 (VCV002100494.4), dbSNP rs1403268319, ClinGen allele CA353353934.
Genomic context (GRCh38, chr3:58,143,525, plus strand): 5'-CTCCATAGGAGAGGTCCACATGCCTTCTGGGAAGACAGCCACACCTGAGATTGTGGACAA[C>A]AAGGACGGCACGGTCACTGTTAGATATGCCCCCACTGAGGTCGGGCTCCATGAGATGCAC-3'
Protein context (NP_001448.2, residues 1769-1789): GKTATPEIVD[Asn1779Lys]KDGTVTVRYA